The following is an entry in ClinVar:

NM_006245.4(PPP2R5D):c.326C>T (p.Ser109Leu)

Gene: PPP2R5D (protein phosphatase 2 regulatory subunit B'delta; plus strand). Cytogenetic location: 6p21.1.
Variant type: single nucleotide variant.
Coding change: c.326C>T on transcript NM_006245.4 (MANE Select); coding-DNA position 326, C replaced by T.
Protein change: p.Ser109Leu; replaces serine 109 with leucine.
Molecular consequence: missense variant. On other transcripts: 5 prime UTR variant (1), intron variant (2).
Genome position (GRCh38, 1-based): chr6:43,006,914, C>T. VCF-style: chr6-43006914-C-T. GRCh37 (hg19) VCF-style: chr6-42974652-C-T.
Other names: c.-128C>T (NM_001270476.2); c.250-20C>T (NM_180976.3); c.28-20C>T (NM_180977.3); c.326C>T (NM_006245.2); short protein forms S109L.
Identifiers: ClinVar variation 2776655 (VCV002776655.4), dbSNP rs778881166, ClinGen allele CA3811809.

ClinVar aggregate classification (germline): Uncertain significance. Review status: criteria provided, multiple submitters, no conflicts (2 of 4 stars). 2 submissions from 2 submitters: Uncertain significance (2). Last evaluated 2025-08-21.

Conditions:
Inborn genetic diseases. Identifiers: MedGen C0950123, MeSH D030342.

Allele frequency attached by ClinVar (database versions not stated): ExAC 0.00001; gnomAD 0.00001; gnomAD exomes 0.00001; 1000 Genomes Project 30x 0.00016.
gnomAD v4.1: 11 of 1,613,820 alleles (0.00068%); highest among the groups gnomAD compares: East Asian, 0.0045%; no homozygotes.

Submissions (2):

Labcorp Genetics (formerly Invitae), Labcorp
Classification: Uncertain significance. Last evaluated: 2025-08-21. Review status: criteria provided, single submitter. Criteria: Invitae Variant Classification Sherloc (09022015). Collection method: clinical testing. Allele origin: germline.
Comment: This sequence change replaces serine, which is neutral and polar, with leucine, which is neutral and non-polar, at codon 109 of the PPP2R5D protein (p.Ser109Leu). This variant is present in population databases (rs778881166, gnomAD 0.006%). This variant has not been reported in the literature in individuals affected with PPP2R5D-related conditions. ClinVar contains an entry for this variant (Variation ID: 2776655). An algorithm developed to predict the effect of missense changes on protein structure and function (PolyPhen-2) suggests that this variant is likely to be tolerated. In summary, the available evidence is currently insufficient to determine the role of this variant in disease. Therefore, it has been classified as a Variant of Uncertain Significance.

Ambry Genetics
Classification: Uncertain significance for Inborn genetic diseases. Last evaluated: 2024-06-02. Review status: criteria provided, single submitter. Criteria: Ambry Variant Classification Scheme 2023. Collection method: clinical testing. Allele origin: germline.